The following is an entry in ClinVar:

ClinVar aggregate classification (germline): Benign/Likely benign. Review status: criteria provided, multiple submitters, no conflicts (2 of 4 stars). 3 submissions from 3 submitters: Benign (1); Likely benign (1). 1 of the submissions does not count toward it. Last evaluated 2026-01-31.

Conditions:
Inborn genetic diseases. Identifiers: MedGen C0950123, MeSH D030342.
CEP152-related disorder. Also called: CEP152-related disorders; CEP152-related condition. Identifiers: MedGen CN239248.

Allele frequency attached by ClinVar (database versions not stated): gnomAD exomes 0.00010 and 0.00026; ExAC 0.00032; 1000 Genomes Project 0.00080; 1000 Genomes Project 30x 0.00094; TOPMed 0.00110; gnomAD 0.00111 and 0.00117; ESP Exome Variant Server 0.00117.
gnomAD v4.1: 320 of 1,614,100 alleles (0.02%); highest among the groups gnomAD compares: African/African-American, 0.38%; 1 homozygote.

Submissions (3):

Labcorp Genetics (formerly Invitae), Labcorp
Classification: Benign. Last evaluated: 2026-01-31. Review status: criteria provided, single submitter. Criteria: Invitae Variant Classification Sherloc (09022015). Collection method: clinical testing. Allele origin: germline.

Ambry Genetics
Classification: Likely benign for Inborn genetic diseases. Last evaluated: 2021-08-30. Review status: criteria provided, single submitter. Criteria: Ambry Variant Classification Scheme 2023. Collection method: clinical testing. Allele origin: germline.

PreventionGenetics, part of Exact Sciences
Classification: Likely benign for CEP152-related condition. Last evaluated: 2022-06-12. Review status: no assertion criteria provided. Collection method: clinical testing. Allele origin: germline. Not counted in ClinVar's aggregate classification.
Comment: This variant is classified as likely benign based on ACMG/AMP sequence variant interpretation guidelines (Richards et al. 2015 PMID: 25741868, with internal and published modifications).

NM_001194998.2(CEP152):c.4077C>G (p.Ser1359Arg)

Gene: CEP152 (centrosomal protein 152; minus strand). Cytogenetic location: 15q21.1.
Variant type: single nucleotide variant.
Coding change: c.4077C>G on transcript NM_001194998.2 (MANE Select); coding-DNA position 4077, C replaced by G.
Protein change: p.Ser1359Arg; replaces serine 1359 with arginine.
Molecular consequence: missense variant.
Genome position (GRCh38, 1-based): chr15:48,741,617, G>C on the plus strand (C>G on the coding strand, the complement: CEP152 is on the minus strand). VCF-style: chr15-48741617-G-C. GRCh37 (hg19) VCF-style: chr15-49033814-G-C.
Other names: c.4077C>G (NM_001194998.1); c.3909C>G, p.Ser1303Arg (NM_014985.4); c.3909C>G (NM_014985.3); short protein forms S1303R, S1359R.
Identifiers: ClinVar variation 1600307 (VCV001600307.11), dbSNP rs114263428, ClinGen allele CA7548190.
Genomic context (GRCh38, chr15:48,741,617, plus strand): 5'-GAAGAAAAGATAGAAAAACCATTTGGCGACTCACTTTGACATACCTGACTGTGTAGTTTT[G>C]CTTTGGGACTTACTAGAAATAGGTGTTTCCAGTAATTTTGCCATTGTAGCAAGTTTGCTA-3'
Protein context (NP_001181927.1, residues 1349-1369): LETPISSKSQ[Ser1359Arg]KTTQSALPLT